The following is an entry in ClinVar:

ClinVar aggregate classification (germline): Pathogenic (1 of 4 stars; one submission).

Conditions:
Neuronal ceroid lipofuscinosis. Also called: Neuronal Ceroid Lipofuscinoses. Identifiers: Orphanet 216, Orphanet 79263, MedGen C0027877, MONDO:0016295. Disease mechanism: loss of function.

Submission:

Labcorp Genetics (formerly Invitae), Labcorp
Classification: Pathogenic for Neuronal ceroid lipofuscinosis. Last evaluated: 2023-04-09. Review status: criteria provided, single submitter. Criteria: Invitae Variant Classification Sherloc (09022015). Collection method: clinical testing. Allele origin: germline.
Comment: For these reasons, this variant has been classified as Pathogenic. This variant has not been reported in the literature in individuals affected with CTSD-related conditions. This variant is not present in population databases (gnomAD no frequency). This sequence change creates a premature translational stop signal (p.Ala18Profs*29) in the CTSD gene. It is expected to result in an absent or disrupted protein product. Loss-of-function variants in CTSD are known to be pathogenic (PMID: 16670177, 26059544).

Literature cited by the submitters: PubMed 16670177; PubMed 26059544.

NM_001909.5(CTSD):c.51del (p.Ala18fs)

Gene: CTSD (cathepsin D; minus strand). Cytogenetic location: 11p15.5.
Variant type: Deletion.
Coding change: c.51del on transcript NM_001909.5 (MANE Select); coding-DNA position 51, one base deleted (C; older notation c.51delC).
Protein change: p.Ala18fs; shifts the reading frame from alanine 18.
Molecular consequence: frameshift variant.
Genome position (GRCh38, 1-based): chr11:1,763,809, G deleted on the plus strand (C on the coding strand, the reverse complement: CTSD is on the minus strand); the first of 3 consecutive G bases (chr11:1,763,809-1,763,811); deleting any one gives the same sequence. VCF-style (leftmost placement, unchanged base first): chr11-1763808-CG-C. GRCh37 (hg19) VCF-style: chr11-1785038-CG-C.
Other names: short protein forms A18fs.
Identifiers: ClinVar variation 2854203 (VCV002854203.3), dbSNP rs2493834507, ClinGen allele CA2739276115.